The following is an entry in ClinVar:

ClinVar aggregate classification (germline): Uncertain significance. Review status: criteria provided, multiple submitters, no conflicts (2 of 4 stars). 3 submissions from 3 submitters: Uncertain significance (3). Last evaluated 2024-10-19.

Conditions:
Arrhythmogenic right ventricular dysplasia 11. Also called: Arrhythmogenic Right Ventricular Dysplasia/Cardiomyopathy11; ARRHYTHMOGENIC RIGHT VENTRICULAR DYSPLASIA, FAMILIAL, 11; Arrhythmogenic right ventricular dysplasia 11 with mild palmoplantar keratoderma and woolly hair. Identifiers: MedGen C1864850, MONDO:0012506, OMIM 610476.
Familial isolated arrhythmogenic right ventricular dysplasia. Identifiers: Orphanet 217656, MedGen C4274968, MONDO:0016342.
Cardiomyopathy (CMYO). Also called: Cardiomyopathies. Identifiers: Orphanet 167848, MedGen C0878544, MONDO:0004994, HP:0001638. Inheritance: Various modes of inheritance.

Allele frequency attached by ClinVar (database versions not stated): gnomAD 0.00001.
gnomAD v4.1: 11 of 1,603,098 alleles (0.00069%); highest among the groups gnomAD compares: South Asian, 0.0011%; no homozygotes.

Submissions (3):

Labcorp Genetics (formerly Invitae), Labcorp
Classification: Uncertain significance for Arrhythmogenic right ventricular dysplasia 11. Last evaluated: 2024-10-19. Review status: criteria provided, single submitter. Criteria: Invitae Variant Classification Sherloc (09022015). Collection method: clinical testing. Allele origin: germline.
Comment: This sequence change replaces proline, which is neutral and non-polar, with threonine, which is neutral and polar, at codon 40 of the DSC2 protein (p.Pro40Thr). This variant is not present in population databases (gnomAD no frequency). This variant has not been reported in the literature in individuals affected with DSC2-related conditions. ClinVar contains an entry for this variant (Variation ID: 2039652). Invitae Evidence Modeling of protein sequence and biophysical properties (such as structural, functional, and spatial information, amino acid conservation, physicochemical variation, residue mobility, and thermodynamic stability) indicates that this missense variant is expected to disrupt DSC2 protein function with a positive predictive value of 80%. In summary, the available evidence is currently insufficient to determine the role of this variant in disease. Therefore, it has been classified as a Variant of Uncertain Significance.

All of Us Research Program, National Institutes of Health
Classification: Uncertain significance for Familial isolated arrhythmogenic right ventricular dysplasia. Last evaluated: 2024-07-20. Review status: criteria provided, single submitter. Criteria: ACMG Guidelines, 2015. Collection method: clinical testing. Allele origin: germline. Inheritance: Autosomal dominant inheritance. Observed: 6 variant alleles, 6 heterozygotes.
Comment: This missense variant replaces proline with threonine at codon 40 of the DSC2 protein. Computational prediction suggests that this variant may not impact protein structure and function (internally defined REVEL score threshold <= 0.5, PMID: 27666373). To our knowledge, functional studies have not been reported for this variant. This variant has not been reported in individuals affected with cardiovascular disorders in the literature. This variant has not been identified in the general population by the Genome Aggregation Database (gnomAD). The available evidence is insufficient to determine the role of this variant in disease conclusively. Therefore, this variant is classified as a Variant of Uncertain Significance.

This study involves interpretation of variants in research participants for the purpose of population health screening. Participant phenotype was not available at the time of variant classification. Additional details can be found in publication PMID: 35346344, PMCID: PMC8962531

Color Diagnostics, LLC DBA Color Health
Classification: Uncertain significance for Cardiomyopathy. Last evaluated: 2024-03-07. Review status: criteria provided, single submitter. Criteria: ACMG Guidelines, 2015. Collection method: clinical testing. Allele origin: germline.
Comment: This missense variant replaces proline with threonine at codon 40 of the DSC2 protein. Computational prediction suggests that this variant may not impact protein structure and function (internally defined REVEL score threshold <= 0.5, PMID: 27666373). To our knowledge, functional studies have not been reported for this variant. This variant has not been reported in individuals affected with cardiovascular disorders in the literature. This variant has not been identified in the general population by the Genome Aggregation Database (gnomAD). The available evidence is insufficient to determine the role of this variant in disease conclusively. Therefore, this variant is classified as a Variant of Uncertain Significance.

NM_024422.6(DSC2):c.118C>A (p.Pro40Thr)

Gene: DSC2 (desmocollin 2; minus strand). Cytogenetic location: 18q12.1.
Variant type: single nucleotide variant.
Coding change: c.118C>A on transcript NM_024422.6 (MANE Select); coding-DNA position 118, C replaced by A.
Protein change: p.Pro40Thr; replaces proline 40 with threonine.
Molecular consequence: missense variant.
Genome position (GRCh38, 1-based): chr18:31,093,595, G>T on the plus strand (C>A on the coding strand, the complement: DSC2 is on the minus strand). VCF-style: chr18-31093595-G-T. GRCh37 (hg19) VCF-style: chr18-28673558-G-T.
Other names: c.-312C>A (NM_001406506.1, NM_001406507.1); c.118C>A, p.Pro40Thr (NM_004949.5); short protein forms P40T.
Identifiers: ClinVar variation 2039652 (VCV002039652.8), dbSNP rs1987671927, ClinGen allele CA402115081.